The following is an entry in ClinVar:

NM_001009944.3(PKD1):c.11202C>T (p.Tyr3734=)

Genes: PKD1 (polycystin 1, transient receptor potential channel interacting; minus strand), PKD1-AS1 (PKD1 antisense RNA 1; plus strand). Cytogenetic location: 16p13.3.
Variant type: single nucleotide variant.
Coding change: c.11202C>T on transcript NM_001009944.3 (MANE Select); coding-DNA position 11202, C replaced by T.
Protein change: p.Tyr3734=; no amino-acid change (tyrosine 3734 retained).
Molecular consequence: synonymous variant.
Genome position (GRCh38, 1-based): chr16:2,092,547, G>A on the plus strand (C>T on the coding strand, the complement: PKD1 is on the minus strand). VCF-style: chr16-2092547-G-A. GRCh37 (hg19) VCF-style: chr16-2142548-G-A.
Other names: c.11199C>T, p.Tyr3733= (NM_000296.4).
Identifiers: ClinVar variation 4927581 (VCV004927581.2).

ClinVar aggregate classification (germline): Likely benign. Review status: criteria provided, multiple submitters, no conflicts (2 of 4 stars). 2 submissions from 2 submitters: Likely benign (2). Last evaluated 2026-05-15.

Conditions:
PKD1-related disorder. Also called: PKD1-related condition.

gnomAD v4.1: 46 of 1,612,592 alleles (0.0029%); highest among the groups gnomAD compares: East Asian, 0.0089%; no homozygotes.

Submissions (2):

PreventionGenetics, part of Exact Sciences
Classification: Likely benign for PKD1-related condition. Last evaluated: 2026-05-15. Review status: criteria provided, single submitter. Criteria: ACMG Guidelines, 2015. Collection method: clinical testing. Allele origin: germline.
Comment: This variant is classified as likely benign based on ACMG/AMP sequence variant interpretation guidelines (Richards et al. 2015 PMID: 25741868, with internal and published modifications).

Blueprint Genetics
Classification: Likely benign. Last evaluated: 2023-12-04. Review status: criteria provided, single submitter. Criteria: ACMG Guidelines, 2015. Collection method: clinical testing. Allele origin: germline.